The following is an entry in ClinVar:

NM_000352.6(ABCC8):c.2390+93C>T

Genes: ABCC8 (ATP binding cassette subfamily C member 8; minus strand), LOC110121471 (VISTA enhancer hs1977; plus strand). Cytogenetic location: 11p15.1.
Variant type: single nucleotide variant.
Coding change: c.2390+93C>T on transcript NM_000352.6 (MANE Select); 93 bases into the intron after coding-DNA position 2390, C replaced by T.
Molecular consequence: intron variant.
Genome position (GRCh38, 1-based): chr11:17,414,419, G>A on the plus strand (C>T on the coding strand, the complement: ABCC8 is on the minus strand). VCF-style: chr11-17414419-G-A. GRCh37 (hg19) VCF-style: chr11-17435966-G-A.
Other names: c.2387+93C>T (NM_001351297.2); c.2390+93C>T (NM_001351296.2); c.2456+93C>T (NM_001351295.2); c.2393+93C>T (NM_001287174.3).
Identifiers: ClinVar variation 1177450 (VCV001177450.6), dbSNP rs4148630, ClinGen allele CA13438220.
Genomic context (GRCh38, chr11:17,414,419, plus strand): 5'-GGTGCACCATATGGAGAGGCTGGAGTGCAGGTAAGCACCTGGGGAGTGAGATGGCTGGGT[G>A]TGGGTGATCGATGGAGGGGCCCGGAACTGGGGCAGGCTGGCCAGAGACAGTTCCTCCCCT-3'

ClinVar aggregate classification (germline): Conflicting classifications of pathogenicity. Review status: criteria provided, conflicting classifications (1 of 4 stars). 8 submissions from 4 submitters: Uncertain significance (1); Benign (2); Likely benign (5). Last evaluated 2021-07-01.

Conditions:
Transitory neonatal diabetes mellitus. Also called: Transient neonatal diabetes mellitus. Identifiers: MedGen C0342273, MONDO:0020525, HP:0008255.
Maturity-onset diabetes of the young (MODY). Also called: Maturity onset diabetes mellitus in young. Identifiers: Orphanet 552, MedGen C0342276, MONDO:0018911, HP:0004904.
Diabetes mellitus, permanent neonatal 3. Also called: ABCC8-Related Permanent Neonatal Diabetes Mellitus. Identifiers: MedGen C5394303, MONDO:0030088, OMIM 618857.
Diabetes mellitus, transient neonatal, 2 (TNDM2). Identifiers: Orphanet 99886, MedGen C1835887, MONDO:0012480, OMIM 610374. Disease mechanism: loss of function.
Leucine-induced hypoglycemia (LIH). Also called: LEUCINE-SENSITIVE HYPOGLYCEMIA OF INFANCY. Identifiers: MedGen C0271714, MONDO:0009415, OMIM 240800.
Hyperinsulinemic hypoglycemia, familial, 1 (HHF1). Also called: Persistent hyperinsulinemic hypoglycemia of infancy; HYPERINSULINISM, FAMILIAL, WITH PANCREATIC NESIDIOBLASTOSIS; HYPOGLYCEMIA, HYPERINSULINEMIC, OF INFANCY; NESIDIOBLASTOSIS OF PANCREAS; Persistent Hyperinsulinemia Hypoglycemia of Infancy. Identifiers: Orphanet 276575, Orphanet 276598, MedGen C2931832, MONDO:0009734, OMIM 256450.

Allele frequency attached by ClinVar (database versions not stated): 1000 Genomes Project 30x 0.74532; 1000 Genomes Project 0.74661; gnomAD 0.71434 and 0.70902; TOPMed 0.71622.
gnomAD v4.1: 1,141,715 of 1,525,130 alleles (75%); highest among the groups gnomAD compares: East Asian, 87%; 429,724 homozygotes.

Submissions (8):

Pars Genome Lab
Classification: Likely benign for Leucine-induced hypoglycemia. Last evaluated: 2021-07-01. Review status: criteria provided, single submitter. Criteria: ACMG Guidelines, 2015. Collection method: clinical testing. Allele origin: germline. Affected: no.

Pars Genome Lab
Classification: Likely benign for Hyperinsulinemic hypoglycemia, familial, 1. Last evaluated: 2021-07-01. Review status: criteria provided, single submitter. Criteria: ACMG Guidelines, 2015. Collection method: clinical testing. Allele origin: germline. Affected: no.

Pars Genome Lab
Classification: Likely benign for Diabetes mellitus, transient neonatal, 2. Last evaluated: 2021-07-01. Review status: criteria provided, single submitter. Criteria: ACMG Guidelines, 2015. Collection method: clinical testing. Allele origin: germline. Affected: no.

Pars Genome Lab
Classification: Likely benign for Diabetes mellitus, permanent neonatal 3. Last evaluated: 2021-07-01. Review status: criteria provided, single submitter. Criteria: ACMG Guidelines, 2015. Collection method: clinical testing. Allele origin: germline. Affected: no.

GeneDx
Classification: Benign. Last evaluated: 2018-08-09. Review status: criteria provided, single submitter. Criteria: GeneDx Variant Classification Process June 2021. Collection method: clinical testing. Allele origin: germline. Affected: yes.

Breakthrough Genomics
Classification: Likely benign. Review status: criteria provided, single submitter. Criteria: ACMG Guidelines, 2015. Collection method: not provided. Allele origin: germline. Inheritance: Autosomal recessive inheritance. Affected: yes.

Clinical Genomics, Uppaluri K&H Personalized Medicine Clinic
Classification: Benign for Maturity-onset diabetes of the young. Review status: criteria provided, single submitter. Criteria: K & H Uppaluri Personalized Medicine Clinic Variant Classification & Assertion Criteria_Updated V.1. Collection method: research. Allele origin: unknown. Inheritance: Autosomal dominant inheritance.
Comment: Mutations in ABCC8 gene are associated with both neonatal diabetes mellitus as well as MODY. Patients with this mutation may have a better response to sulfonylureas. However, no sufficient evidence is found to ascertain the role of this particular variant (rs4148630) in MODY yet.

Clinical Genomics, Uppaluri K&H Personalized Medicine Clinic
Classification: Uncertain significance for Transitory neonatal diabetes mellitus. Review status: criteria provided, single submitter. Criteria: K & H Uppaluri Personalized Medicine Clinic Variant Classification & Assertion Criteria_Updated V.1. Collection method: research. Allele origin: unknown.
Comment: Mutations in ABCC8 gene are associated with both neonatal diabetes mellitus as well as MODY. Patients with this mutation may have a better response to sulfonylureas. However, no sufficient evidence is found to ascertain the role of this particular variant (rs4148630) in neonatal diabetes yet.

Literature cited by the submitters: PubMed 16885549 (cited by Clinical Genomics, Uppaluri K&H Personalized Medicine Clinic); PubMed 21989597 (cited by Clinical Genomics, Uppaluri K&H Personalized Medicine Clinic); PubMed 27538677 (cited by Clinical Genomics, Uppaluri K&H Personalized Medicine Clinic); PubMed 18981553 (cited by Clinical Genomics, Uppaluri K&H Personalized Medicine Clinic); PubMed 32027066 (cited by Clinical Genomics, Uppaluri K&H Personalized Medicine Clinic); PubMed 18025408 (cited by Clinical Genomics, Uppaluri K&H Personalized Medicine Clinic); PubMed 32792356 (cited by Clinical Genomics, Uppaluri K&H Personalized Medicine Clinic).